The following is an entry in ClinVar:

ClinVar aggregate classification (germline): Uncertain significance. Review status: criteria provided, multiple submitters, no conflicts (2 of 4 stars). 2 submissions from 2 submitters: Uncertain significance (2). Last evaluated 2024-09-03.

Conditions:
Familial hemophagocytic lymphohistiocytosis 3 (FHL3). Also called: UNC13D-Related Familial Hemophagocytic Lymphohistiocytosis (UNC13D-fHLH). Identifiers: Orphanet 540, MedGen C1837174, MONDO:0012146, OMIM 608898.

Allele frequency attached by ClinVar (database versions not stated): gnomAD exomes 0.00001 and 0.00007; TOPMed 0.00001; gnomAD 0.00005; ExAC 0.00014.
gnomAD v4.1: 26 of 1,555,728 alleles (0.0017%); highest among the groups gnomAD compares: East Asian, 0.017%; no homozygotes.

Submissions (3):

Blueprint Genetics
Classification: Uncertain significance. Last evaluated: 2024-09-03. Review status: criteria provided, single submitter. Criteria: ACMG Guidelines, 2015. Collection method: clinical testing. Allele origin: germline.

Labcorp Genetics (formerly Invitae), Labcorp
Classification: Uncertain significance for Familial hemophagocytic lymphohistiocytosis 3. Last evaluated: 2022-07-23. Review status: criteria provided, single submitter. Criteria: Invitae Variant Classification Sherloc (09022015). Collection method: clinical testing. Allele origin: germline.
Comment: This sequence change replaces alanine, which is neutral and non-polar, with valine, which is neutral and non-polar, at codon 885 of the UNC13D protein (p.Ala885Val). The frequency data for this variant in the population databases is considered unreliable, as metrics indicate poor data quality at this position in the gnomAD database. This variant has not been reported in the literature in individuals affected with UNC13D-related conditions. ClinVar contains an entry for this variant (Variation ID: 933544). Algorithms developed to predict the effect of missense changes on protein structure and function are either unavailable or do not agree on the potential impact of this missense change (SIFT: "Not Available"; PolyPhen-2: "Benign"; Align-GVGD: "Not Available"). Algorithms developed to predict the effect of sequence changes on RNA splicing suggest that this variant may create or strengthen a splice site. In summary, the available evidence is currently insufficient to determine the role of this variant in disease. Therefore, it has been classified as a Variant of Uncertain Significance.

Dr. Peter K. Rogan Lab, Western University
No classification provided (evidence only). Condition: Uterine carcinosarcoma. Review status: no classification provided. Collection method: in vitro. Allele origin: not applicable. Functional consequence: retained intron. Not counted in ClinVar's aggregate classification.

NM_199242.3(UNC13D):c.2654C>T (p.Ala885Val)

Genes: UNC13D (unc-13 homolog D; minus strand), LOC112533672 (Sharpr-MPRA regulatory region 1193; plus strand). Cytogenetic location: 17q25.1.
Variant type: single nucleotide variant.
Coding change: c.2654C>T on transcript NM_199242.3 (MANE Select); coding-DNA position 2654, C replaced by T.
Protein change: p.Ala885Val; replaces alanine 885 with valine.
Molecular consequence: missense variant.
Genome position (GRCh38, 1-based): chr17:75,830,633, G>A on the plus strand (C>T on the coding strand, the complement: UNC13D is on the minus strand). VCF-style: chr17-75830633-G-A. GRCh37 (hg19) VCF-style: chr17-73826714-G-A.
Other names: short protein forms A885V.
Identifiers: ClinVar variation 933544 (VCV000933544.9), dbSNP rs539360933, ClinGen allele CA8772439.